The following is an entry in ClinVar:

NM_001145358.2(SIN3A):c.366+1G>T

Gene: SIN3A (SIN3 transcription regulator family member A; minus strand). Cytogenetic location: 15q24.2.
Variant type: single nucleotide variant.
Coding change: c.366+1G>T on transcript NM_001145358.2 (MANE Select); the canonical splice donor site of the intron after coding-DNA position 366, G replaced by T.
Molecular consequence: splice donor variant.
Genome position (GRCh38, 1-based): chr15:75,422,646, C>A on the plus strand (G>T on the coding strand, the complement: SIN3A is on the minus strand). VCF-style: chr15-75422646-C-A. GRCh37 (hg19) VCF-style: chr15-75714987-C-A.
Other names: c.366+1G>T (NM_001145357.2, NM_015477.3).
Identifiers: ClinVar variation 1700788 (VCV001700788.2), dbSNP rs2141540743, ClinGen allele CA393458226.

ClinVar aggregate classification (germline): Pathogenic (1 of 4 stars; one submission).

Submission:

GeneDx
Classification: Pathogenic. Last evaluated: 2022-08-11. Review status: criteria provided, single submitter. Criteria: GeneDx Variant Classification Process June 2021. Collection method: clinical testing. Allele origin: germline. Affected: yes.
Comment: Canonical splice site variant predicted to result in an in-frame deletion of a critical region; Not observed in large population cohorts (gnomAD); Has not been previously published as pathogenic or benign to our knowledge